The following is an entry in ClinVar:

NM_001165963.4(SCN1A):c.1170+1G>A

Gene: SCN1A (sodium voltage-gated channel alpha subunit 1; minus strand). Cytogenetic location: 2q24.3.
Variant type: single nucleotide variant.
Coding change: c.1170+1G>A on transcript NM_001165963.4 (MANE Select); the canonical splice donor site of the intron after coding-DNA position 1170, G replaced by A.
Molecular consequence: splice donor variant.
Genome position (GRCh38, 1-based): chr2:166,047,626, C>T on the plus strand (G>A on the coding strand, the complement: SCN1A is on the minus strand). VCF-style: chr2-166047626-C-T. GRCh37 (hg19) VCF-style: chr2-166904136-C-T.
Other names: c.1170+1G>A (NM_001353949.2, NM_001353958.2, NM_001353950.2 and 10 more transcripts); c.-1256+1G>A (NM_001353961.2).
Identifiers: ClinVar variation 381570 (VCV000381570.11), dbSNP rs794726765, ClinGen allele CA16603844.

ClinVar aggregate classification (germline): Pathogenic. Review status: criteria provided, multiple submitters, no conflicts (2 of 4 stars). 2 submissions from 2 submitters: Pathogenic (2). Last evaluated 2024-07-11.

Conditions:
Early-infantile DEE. Also called: Ohtahara syndrome; Early infantile epileptic encephalopathy with suppression bursts; Early infantile epileptic encephalopathy. Identifiers: Orphanet 1934, MedGen C0393706, MONDO:0800491.

Submissions (2):

Labcorp Genetics (formerly Invitae), Labcorp
Classification: Pathogenic for Early-infantile DEE. Last evaluated: 2024-07-11. Review status: criteria provided, single submitter. Criteria: Invitae Variant Classification Sherloc (09022015). Collection method: clinical testing. Allele origin: germline.
Comment: This sequence change affects a donor splice site in intron 8 of the SCN1A gene. It is expected to disrupt RNA splicing. Variants that disrupt the donor or acceptor splice site typically lead to a loss of protein function (PMID: 16199547), and loss-of-function variants in SCN1A are known to be pathogenic (PMID: 17347258, 18930999). This variant is not present in population databases (gnomAD no frequency). Disruption of this splice site has been observed in individual(s) with Dravet syndrome (PMID: 30011152, 36158059). ClinVar contains an entry for this variant (Variation ID: 381570). Algorithms developed to predict the effect of sequence changes on RNA splicing suggest that this variant may disrupt the consensus splice site. For these reasons, this variant has been classified as Pathogenic.

GeneDx
Classification: Pathogenic. Last evaluated: 2017-08-17. Review status: criteria provided, single submitter. Criteria: GeneDx Variant Classification (06012015). Collection method: clinical testing. Allele origin: germline. Affected: yes.
Comment: The c.1170+1 G>A splice site variant has been previously reported as a de novo change in an individual with Dravet syndrome (Zucca et al., 2008). This pathogenic variant destroys the canonical splice donor site in intron 8 and ise expected to cause abnormal gene splicing. The c.1170+1 G>A variant is not observed in large population cohorts (Lek et al., 2016; 1000 Genomes Consortium et al., 2015; Exome Variant Server).

Literature cited by the submitters: PubMed 16199547 (cited by Labcorp Genetics (formerly Invitae), Labcorp); PubMed 17347258 (cited by Labcorp Genetics (formerly Invitae), Labcorp); PubMed 18930999 (cited by Labcorp Genetics (formerly Invitae), Labcorp); PubMed 30011152 (cited by Labcorp Genetics (formerly Invitae), Labcorp); PubMed 36158059 (cited by Labcorp Genetics (formerly Invitae), Labcorp).